The following is an entry in ClinVar:

NC_000007.13:g.(?_83047686)_(83047819_?)dup

Gene: SEMA3E (semaphorin 3E; minus strand). Cytogenetic location: 7q21.11.
Variant type: Duplication.
Identifiers: ClinVar variation 1411729 (VCV001411729.4).

ClinVar aggregate classification (germline): Uncertain significance (1 of 4 stars; one submission).

Conditions:
CHARGE syndrome (CHARGE). Also called: Hittner Hirsch Kreh syndrome; CHARGE ASSOCIATION--COLOBOMA, HEART ANOMALY, CHOANAL ATRESIA, RETARDATION, GENITAL AND EAR ANOMALIES; Coloboma, heart anomaly, choanal atresia, retardation, genital and ear anomalies; CHARGE association; Hall-Hittner syndrome. Identifiers: Orphanet 138, MedGen C0265354, MONDO:0008965.

Submission:

Labcorp Genetics (formerly Invitae), Labcorp
Classification: Uncertain significance for CHARGE syndrome. Last evaluated: 2021-10-12. Review status: criteria provided, single submitter. Criteria: Invitae Variant Classification Sherloc (09022015). Collection method: clinical testing. Allele origin: germline.
Comment: In summary, the available evidence is currently insufficient to determine the role of this variant in disease. Therefore, it has been classified as a Variant of Uncertain Significance. This variant has not been reported in the literature in individuals affected with SEMA3E-related conditions. This variant results in a copy number gain of the genomic region encompassing exon(s) 5 of the SEMA3E gene. While the exact position of this variant cannot be determined from the data, sub-genic copy number gains are generally in tandem (PMID: 25640679). This variant is predicted to be out-of-frame, and may result in an absent or disrupted protein product. However, the current clinical and genetic evidence is not sufficient to establish whether loss-of-function variants in SEMA3E cause disease.

Literature cited by the submitters: PubMed 25640679.